The following is an entry in ClinVar:

ClinVar aggregate classification (germline): Uncertain significance (1 of 4 stars; one submission).

Submission:

GeneDx
Classification: Uncertain significance. Last evaluated: 2022-10-20. Review status: criteria provided, single submitter. Criteria: GeneDx Variant Classification Process June 2021. Collection method: clinical testing. Allele origin: germline. Affected: yes.
Comment: Frameshift variant predicted to result in protein truncation, as the last 174 amino acids are replaced with 81 different amino acids, and other loss-of-function variants have been reported downstream in HGMD; Has not been previously published as pathogenic or benign to our knowledge

NM_015338.6(ASXL1):c.4101del (p.Lys1368fs)

Gene: ASXL1 (ASXL transcriptional regulator 1; plus strand). Cytogenetic location: 20q11.21.
Variant type: Deletion.
Coding change: c.4101del on transcript NM_015338.6 (MANE Select); coding-DNA position 4101, one base deleted (C; older notation c.4101delC).
Protein change: p.Lys1368fs; shifts the reading frame from lysine 1368.
Molecular consequence: frameshift variant.
Genome position (GRCh38, 1-based): chr20:32,436,813, C deleted. VCF-style (leftmost placement, unchanged base first): chr20-32436812-TC-T. GRCh37 (hg19) VCF-style: chr20-31024615-TC-T.
Other names: c.3918del, p.Lys1307fs (NM_001363734.1); c.4101delC, p.Lys1368Argfs (NM_015338.5); short protein forms K1307fs, K1368fs.
Identifiers: ClinVar variation 2499741 (VCV002499741.1), dbSNP rs2515589412, ClinGen allele CA2554498263.